The following is an entry in ClinVar:

ClinVar aggregate classification (germline): Uncertain significance (1 of 4 stars; one submission).

Submission:

Labcorp Genetics (formerly Invitae), Labcorp
Classification: Uncertain significance. Last evaluated: 2024-03-06. Review status: criteria provided, single submitter. Criteria: Invitae Variant Classification Sherloc (09022015). Collection method: clinical testing. Allele origin: germline.
Comment: This sequence change replaces proline, which is neutral and non-polar, with glutamine, which is neutral and polar, at codon 962 of the AHDC1 protein (p.Pro962Gln). This variant is not present in population databases (gnomAD no frequency). This variant has not been reported in the literature in individuals affected with AHDC1-related conditions. An algorithm developed to predict the effect of missense changes on protein structure and function (PolyPhen-2) suggests that this variant is likely to be disruptive. In summary, the available evidence is currently insufficient to determine the role of this variant in disease. Therefore, it has been classified as a Variant of Uncertain Significance.

NM_001371928.1(AHDC1):c.2885C>A (p.Pro962Gln)

Gene: AHDC1 (AT-hook DNA binding motif containing 1; minus strand). Cytogenetic location: 1p36.11.
Variant type: single nucleotide variant.
Coding change: c.2885C>A on transcript NM_001371928.1 (MANE Select); coding-DNA position 2885, C replaced by A.
Protein change: p.Pro962Gln; replaces proline 962 with glutamine.
Molecular consequence: missense variant.
Genome position (GRCh38, 1-based): chr1:27,549,231, G>T on the plus strand (C>A on the coding strand, the complement: AHDC1 is on the minus strand). VCF-style: chr1-27549231-G-T. GRCh37 (hg19) VCF-style: chr1-27875742-G-T.
Other names: c.2885C>A, p.Pro962Gln (NM_001029882.3); short protein forms P962Q.
Identifiers: ClinVar variation 3623601 (VCV003623601.2).
Genomic context (GRCh38, chr1:27,549,231, plus strand): 5'-GCGAATACGCTTTGTCCGGCCCCATAGCCGCCGTACTGGGGCAGGTAGGTGTTGGCAGGC[G>T]GGTGGGTGGTAGGTGAGCGGGCCATGGCTGAGGGCGGGGGCACCAGCTTGGGGAAGGTCT-3'
Protein context (NP_001358857.1, residues 952-972): SAMARSPTTH[Pro962Gln]PANTYLPQYG